The following is an entry in ClinVar:

NM_006440.5(TXNRD2):c.949+268A>G

Gene: TXNRD2 (thioredoxin reductase 2; minus strand). Cytogenetic location: 22q11.21.
Variant type: single nucleotide variant.
Coding change: c.949+268A>G on transcript NM_006440.5 (MANE Select); 268 bases into the intron after coding-DNA position 949, A replaced by G.
Molecular consequence: intron variant. On other transcripts: synonymous variant (2).
Genome position (GRCh38, 1-based): chr22:19,895,139, T>C on the plus strand (A>G on the coding strand, the complement: TXNRD2 is on the minus strand). VCF-style: chr22-19895139-T-C. GRCh37 (hg19) VCF-style: chr22-19882662-T-C.
Other names: c.1011A>G, p.Arg337= (NM_001282512.3); c.915A>G, p.Arg305= (NM_001352303.2); c.946+268A>G (NM_001352300.2); c.661+268A>G (NM_001352302.2); c.859+268A>G (NM_001352301.2).
Identifiers: ClinVar variation 3036522 (VCV003036522.2), dbSNP rs563747332, ClinGen allele CA10103899.

ClinVar aggregate classification (germline): Likely benign (0 of 4 stars; one submission).

Conditions:
TXNRD2-related disorder. Also called: TXNRD2-related condition.

Allele frequency attached by ClinVar (database versions not stated): gnomAD exomes 0.00003; ExAC 0.00010; gnomAD 0.00028; TOPMed 0.00038; 1000 Genomes Project 0.00040; 1000 Genomes Project 30x 0.00047.
gnomAD v4.1: 79 of 1,598,452 alleles (0.0049%); highest among the groups gnomAD compares: African/African-American, 0.11%; no homozygotes.

Submission:

PreventionGenetics, part of Exact Sciences
Classification: Likely benign for TXNRD2-related condition. Last evaluated: 2023-03-06. Review status: no assertion criteria provided. Collection method: clinical testing. Allele origin: germline.
Comment: This variant is classified as likely benign based on ACMG/AMP sequence variant interpretation guidelines (Richards et al. 2015 PMID: 25741868, with internal and published modifications).